The following is an entry in ClinVar:

NM_002449.5(MSX2):c.*1007T>A

Gene: MSX2 (msh homeobox 2; plus strand). Cytogenetic location: 5q35.2.
Variant type: single nucleotide variant.
Coding change: c.*1007T>A on transcript NM_002449.5 (MANE Select); 1007 bases downstream of the stop codon, T replaced by A.
Molecular consequence: 3 prime UTR variant.
Genome position (GRCh38, 1-based): chr5:174,730,590, T>A. VCF-style: chr5-174730590-T-A. GRCh37 (hg19) VCF-style: chr5-174157593-T-A.
Other names: c.*1435T>A (NM_001363626.2).
Identifiers: ClinVar variation 352859 (VCV000352859.5), dbSNP rs74292295, ClinGen allele CA10621345.

ClinVar aggregate classification (germline): Benign. Review status: criteria provided, single submitter (1 of 4 stars). 2 submissions from 1 submitter: Benign (2). Last evaluated 2018-01-13.

Conditions:
Parietal foramina 1 (PFM1). Also called: FORAMINA PARIETALIA PERMAGNA; PARIETAL FORAMINA, SYMMETRIC. Identifiers: Orphanet 60015, MedGen C1868599, MONDO:0008197, OMIM 168500.
Craniosynostosis 2 (CRS2). Also called: Warman-Mulliken-Hayward syndrome; Craniosynostosis Warman type; Craniosynostosis Boston type. Identifiers: Orphanet 1541, MedGen C1858160, MONDO:0011481, OMIM 604757.

Allele frequency attached by ClinVar (database versions not stated): TOPMed 0.00238; 1000 Genomes Project 30x 0.00281; gnomAD 0.00378 and 0.00387; 1000 Genomes Project 0.01158; gnomAD exomes 0.01174.

Submissions (2):

Illumina Laboratory Services, Illumina
Classification: Benign for Craniosynostosis 2. Last evaluated: 2018-01-13. Review status: criteria provided, single submitter. Criteria: ICSL Variant Classification Criteria 13 December 2019. Collection method: clinical testing. Allele origin: germline.
Comment: This variant was observed in the ICSL laboratory as part of a predisposition screen in an ostensibly healthy population. It had not been previously curated by ICSL or reported in the Human Gene Mutation Database (HGMD: prior to June 1st, 2018), and was therefore a candidate for classification through an automated scoring system. Utilizing variant allele frequency, disease prevalence and penetrance estimates, and inheritance mode, an automated score was calculated to assess if this variant is too frequent to cause the disease. Based on the score and internal cut-off values, a variant classified as benign is not then subjected to further curation. The score for this variant resulted in a classification of benign for this disease.

Illumina Laboratory Services, Illumina
Classification: Benign for Parietal foramina 1. Last evaluated: 2018-01-13. Review status: criteria provided, single submitter. Criteria: ICSL Variant Classification Criteria 13 December 2019. Collection method: clinical testing. Allele origin: germline.
Comment: the same text as in the submission from Illumina Laboratory Services, Illumina above.